The following is an entry in ClinVar:

NM_005592.4(MUSK):c.1472C>T (p.Thr491Ile)

Gene: MUSK (muscle associated receptor tyrosine kinase; plus strand). Cytogenetic location: 9q31.3.
Variant type: single nucleotide variant.
Coding change: c.1472C>T on transcript NM_005592.4 (MANE Select); coding-DNA position 1472, C replaced by T.
Protein change: p.Thr491Ile; replaces threonine 491 with isoleucine.
Molecular consequence: missense variant.
Genome position (GRCh38, 1-based): chr9:110,784,902, C>T. VCF-style: chr9-110784902-C-T. GRCh37 (hg19) VCF-style: chr9-113547182-C-T.
Other names: c.1214C>T, p.Thr405Ile (NM_001166280.2); c.1184C>T, p.Thr395Ile (NM_001166281.2); c.212C>T, p.Thr71Ile (NM_001369398.1); short protein forms T71I, T395I, T405I, T491I.
Identifiers: ClinVar variation 1384240 (VCV001384240.6), dbSNP rs2132023110, ClinGen allele CA374475004.

ClinVar aggregate classification (germline): Uncertain significance (1 of 4 stars; one submission).

Conditions:
Fetal akinesia deformation sequence 1 (FADS1). Also called: Fetal akinesia sequence; Pena-Shokeir syndrome type I. Identifiers: Orphanet 994, MedGen C1276035, MONDO:0100101, OMIM 208150, HP:0001989.
Congenital myasthenic syndrome 9. Also called: Myasthenic syndrome, congenital, 9, associated with acetylcholine receptor deficiency. Identifiers: Orphanet 590, MedGen C4225368, MONDO:0014587, OMIM 616325.

Submission:

Labcorp Genetics (formerly Invitae), Labcorp
Classification: Uncertain significance for Congenital myasthenic syndrome 9; Fetal akinesia deformation sequence 1. Last evaluated: 2021-10-03. Review status: criteria provided, single submitter. Criteria: Invitae Variant Classification Sherloc (09022015). Collection method: clinical testing. Allele origin: germline.
Comment: This sequence change replaces threonine with isoleucine at codon 491 of the MUSK protein (p.Thr491Ile). The threonine residue is moderately conserved and there is a moderate physicochemical difference between threonine and isoleucine. In summary, the available evidence is currently insufficient to determine the role of this variant in disease. Therefore, it has been classified as a Variant of Uncertain Significance. Advanced modeling of protein sequence and biophysical properties (such as structural, functional, and spatial information, amino acid conservation, physicochemical variation, residue mobility, and thermodynamic stability) performed at Invitae indicates that this missense variant is not expected to disrupt MUSK protein function. This variant has not been reported in the literature in individuals affected with MUSK-related conditions. This variant is not present in population databases (ExAC no frequency).